The following is an entry in ClinVar:

NM_015102.5(NPHP4):c.2287G>A (p.Ala763Thr)

Gene: NPHP4 (nephrocystin 4; minus strand). Cytogenetic location: 1p36.31.
Variant type: single nucleotide variant.
Coding change: c.2287G>A on transcript NM_015102.5 (MANE Select); coding-DNA position 2287, G replaced by A.
Protein change: p.Ala763Thr; replaces alanine 763 with threonine.
Molecular consequence: missense variant. On other transcripts: non-coding transcript variant (1).
Genome position (GRCh38, 1-based): chr1:5,890,885, C>T on the plus strand (G>A on the coding strand, the complement: NPHP4 is on the minus strand). VCF-style: chr1-5890885-C-T. GRCh37 (hg19) VCF-style: chr1-5950945-C-T.
Other names: c.748G>A, p.Ala250Thr (NM_001291593.2); c.751G>A, p.Ala251Thr (NM_001291594.2); c.2287G>A (NM_015102.4); short protein forms A250T, A251T, A763T.
Identifiers: ClinVar variation 1415469 (VCV001415469.5), dbSNP rs1644089326, ClinGen allele CA338059261.

ClinVar aggregate classification (germline): Uncertain significance. Review status: criteria provided, single submitter (1 of 4 stars). 2 submissions from 2 submitters: Uncertain significance (1). 1 of the submissions does not count toward it. Last evaluated 2021-12-19.

Conditions:
Nephronophthisis. Also called: Juvenile Nephronophthisis. Identifiers: Orphanet 655, MedGen C0687120, MONDO:0019005, HP:0000090.
NPHP4-related disorder. Also called: NPHP4-related condition; NPHP4-related disorders. Identifiers: MedGen CN239384.

Allele frequency attached by ClinVar (database versions not stated): TOPMed below 0.00001.

Submissions (2):

Labcorp Genetics (formerly Invitae), Labcorp
Classification: Uncertain significance for Nephronophthisis. Last evaluated: 2021-12-19. Review status: criteria provided, single submitter. Criteria: Invitae Variant Classification Sherloc (09022015). Collection method: clinical testing. Allele origin: germline.
Comment: Algorithms developed to predict the effect of missense changes on protein structure and function output the following: SIFT: "Tolerated"; PolyPhen-2: "Possibly Damaging"; Align-GVGD: "Class C0". The threonine amino acid residue is found in multiple mammalian species, which suggests that this missense change does not adversely affect protein function. In summary, the available evidence is currently insufficient to determine the role of this variant in disease. Therefore, it has been classified as a Variant of Uncertain Significance. This variant has not been reported in the literature in individuals affected with NPHP4-related conditions. This variant is not present in population databases (gnomAD no frequency). This sequence change replaces alanine, which is neutral and non-polar, with threonine, which is neutral and polar, at codon 763 of the NPHP4 protein (p.Ala763Thr).

PreventionGenetics, part of Exact Sciences
Classification: Uncertain significance for NPHP4-related condition. Last evaluated: 2024-03-29. Review status: no assertion criteria provided. Collection method: clinical testing. Allele origin: germline. Not counted in ClinVar's aggregate classification.
Comment: The NPHP4 c.2287G>A variant is predicted to result in the amino acid substitution p.Ala763Thr. To our knowledge, this variant has not been reported in the literature or in gnomAD, indicating this variant is rare. At this time, the clinical significance of this variant is uncertain due to the absence of conclusive functional and genetic evidence.